The following is an entry in ClinVar:

ClinVar aggregate classification (germline): Benign (1 of 4 stars; one submission).

Conditions:
Emery-Dreifuss muscular dystrophy 5, autosomal dominant (EDMD5). Also called: EMERY-DREIFUSS MUSCULAR DYSTROPHY 5. Identifiers: Orphanet 261, MedGen C2751805, MONDO:0013072, OMIM 612999.

Allele frequency attached by ClinVar (database versions not stated): 1000 Genomes Project 0.02017; gnomAD 0.02018; TOPMed 0.02470.

Submission:

Illumina Laboratory Services, Illumina
Classification: Benign for Emery-Dreifuss muscular dystrophy 5, autosomal dominant. Last evaluated: 2018-01-13. Review status: criteria provided, single submitter. Criteria: ICSL Variant Classification Criteria 13 December 2019. Collection method: clinical testing. Allele origin: germline.
Comment: This variant was observed in the ICSL laboratory as part of a predisposition screen in an ostensibly healthy population. It had not been previously curated by ICSL or reported in the Human Gene Mutation Database (HGMD: prior to June 1st, 2018), and was therefore a candidate for classification through an automated scoring system. Utilizing variant allele frequency, disease prevalence and penetrance estimates, and inheritance mode, an automated score was calculated to assess if this variant is too frequent to cause the disease. Based on the score and internal cut-off values, a variant classified as benign is not then subjected to further curation. The score for this variant resulted in a classification of benign for this disease.

NM_182914.3(SYNE2):c.*827G>A

Gene: SYNE2 (spectrin repeat containing nuclear envelope protein 2; plus strand). Cytogenetic location: 14q23.2.
Variant type: single nucleotide variant.
Coding change: c.*827G>A on transcript NM_182914.3 (MANE Select); 827 bases downstream of the stop codon, G replaced by A.
Molecular consequence: 3 prime UTR variant.
Genome position (GRCh38, 1-based): chr14:64,226,353, G>A. VCF-style: chr14-64226353-G-A. GRCh37 (hg19) VCF-style: chr14-64693071-G-A.
Other names: c.*827G>A (NM_015180.6, NM_182910.2, NM_182913.4).
Identifiers: ClinVar variation 313693 (VCV000313693.5), dbSNP rs870404, ClinGen allele CA10635071.